The following is an entry in ClinVar:

NM_006035.4(CDC42BPB):c.210G>C (p.Gln70His)

Gene: CDC42BPB (CDC42 binding protein kinase beta; minus strand). Cytogenetic location: 14q32.32.
Variant type: single nucleotide variant.
Coding change: c.210G>C on transcript NM_006035.4 (MANE Select); coding-DNA position 210, G replaced by C.
Protein change: p.Gln70His; replaces glutamine 70 with histidine.
Molecular consequence: missense variant.
Genome position (GRCh38, 1-based): chr14:103,012,154, C>G on the plus strand (G>C on the coding strand, the complement: CDC42BPB is on the minus strand). VCF-style: chr14-103012154-C-G. GRCh37 (hg19) VCF-style: chr14-103478491-C-G.
Other names: c.210G>C, p.Gln70His (NM_001411054.1); short protein forms Q70H.
Identifiers: ClinVar variation 3373749 (VCV003373749.1).

ClinVar aggregate classification (germline): Uncertain significance (1 of 4 stars; one submission).

Submission:

GeneDx
Classification: Uncertain significance. Last evaluated: 2024-03-08. Review status: criteria provided, single submitter. Criteria: GeneDx Variant Classification Process June 2021. Collection method: clinical testing. Allele origin: germline. Affected: yes.
Comment: Not observed at significant frequency in large population cohorts (gnomAD); In silico analysis supports that this missense variant does not alter protein structure/function; Has not been previously published as pathogenic or benign to our knowledge